The following is an entry in ClinVar:

NM_033004.4(NLRP1):c.397G>C (p.Glu133Gln)

Gene: NLRP1 (NLR family pyrin domain containing 1; minus strand). Cytogenetic location: 17p13.2.
Variant type: single nucleotide variant.
Coding change: c.397G>C on transcript NM_033004.4 (MANE Select); coding-DNA position 397, G replaced by C.
Protein change: p.Glu133Gln; replaces glutamic acid 133 with glutamine.
Molecular consequence: missense variant.
Genome position (GRCh38, 1-based): chr17:5,582,721, C>G on the plus strand (G>C on the coding strand, the complement: NLRP1 is on the minus strand). VCF-style: chr17-5582721-C-G. GRCh37 (hg19) VCF-style: chr17-5486041-C-G.
Other names: c.397G>C, p.Glu133Gln (NM_001033053.3, NM_014922.5, NM_033006.4 and 1 more transcripts); short protein forms E133Q.
Identifiers: ClinVar variation 1357394 (VCV001357394.8), dbSNP rs764434953, ClinGen allele CA8327588.

ClinVar aggregate classification (germline): Uncertain significance (1 of 4 stars; one submission).

Allele frequency attached by ClinVar (database versions not stated): gnomAD exomes below 0.00001; ExAC 0.00002.
gnomAD v4.1: 2 of 1,614,184 alleles (0.00012%); highest among the groups gnomAD compares: Non-Finnish European, 0.00017%; no homozygotes.

Submission:

Labcorp Genetics (formerly Invitae), Labcorp
Classification: Uncertain significance. Last evaluated: 2022-08-23. Review status: criteria provided, single submitter. Criteria: Invitae Variant Classification Sherloc (09022015). Collection method: clinical testing. Allele origin: germline.
Comment: This sequence change replaces glutamic acid, which is acidic and polar, with glutamine, which is neutral and polar, at codon 133 of the NLRP1 protein (p.Glu133Gln). This variant is present in population databases (rs764434953, gnomAD 0.0009%). This variant has not been reported in the literature in individuals affected with NLRP1-related conditions. ClinVar contains an entry for this variant (Variation ID: 1357394). Algorithms developed to predict the effect of missense changes on protein structure and function (SIFT, PolyPhen-2, Align-GVGD) all suggest that this variant is likely to be tolerated. In summary, the available evidence is currently insufficient to determine the role of this variant in disease. Therefore, it has been classified as a Variant of Uncertain Significance.